The following is an entry in ClinVar:

NM_001130969.3(NSMF):c.705-201G>A

Gene: NSMF (NMDA receptor synaptonuclear signaling and neuronal migration factor; minus strand). Cytogenetic location: 9q34.3.
Variant type: single nucleotide variant.
Coding change: c.705-201G>A on transcript NM_001130969.3 (MANE Select); 201 bases into the intron before coding-DNA position 705, G replaced by A.
Molecular consequence: intron variant.
Genome position (GRCh38, 1-based): chr9:137,455,835, C>T on the plus strand (G>A on the coding strand, the complement: NSMF is on the minus strand). VCF-style: chr9-137455835-C-T. GRCh37 (hg19) VCF-style: chr9-140350287-C-T.
Other names: c.704+576G>A (NM_001130971.2); c.705-528G>A (NM_015537.5); c.705-201G>A (NM_001130970.2, NM_001178064.2).
Identifiers: ClinVar variation 674237 (VCV000674237.1), dbSNP rs3793468, ClinGen allele CA12976744.

ClinVar aggregate classification (germline): Benign (1 of 4 stars; one submission).

Allele frequency attached by ClinVar (database versions not stated): 1000 Genomes Project 30x 0.22876; 1000 Genomes Project 0.23283; TOPMed 0.25033; gnomAD 0.25672 and 0.25963.
gnomAD v4.1: 39,681 of 152,260 alleles (26%); highest among the groups gnomAD compares: Non-Finnish European, 34%; 6,073 homozygotes.

Submission:

GeneDx
Classification: Benign. Last evaluated: 2018-06-19. Review status: criteria provided, single submitter. Criteria: GeneDx Variant Classification (06012015). Collection method: clinical testing. Allele origin: germline. Affected: yes.
Comment: This variant is considered likely benign or benign based on one or more of the following criteria: it is a conservative change, it occurs at a poorly conserved position in the protein, it is predicted to be benign by multiple in silico algorithms, and/or has population frequency not consistent with disease.